The following is an entry in ClinVar:

ClinVar aggregate classification (germline): Benign (1 of 4 stars; one submission).

Conditions:
Weill-Marchesani 4 syndrome, recessive. Also called: Weill-Marchesani syndrome 4. Identifiers: Orphanet 363992, MedGen C2750787, MONDO:0013176, OMIM 613195.

Allele frequency attached by ClinVar (database versions not stated): gnomAD 0.00676 and 0.00732; 1000 Genomes Project 0.00679; 1000 Genomes Project 30x 0.00750; TOPMed 0.00765.

Submission:

Illumina Laboratory Services, Illumina
Classification: Benign for Weill-Marchesani 4 syndrome, recessive. Last evaluated: 2018-01-13. Review status: criteria provided, single submitter. Criteria: ICSL Variant Classification Criteria 13 December 2019. Collection method: clinical testing. Allele origin: germline.
Comment: This variant was observed in the ICSL laboratory as part of a predisposition screen in an ostensibly healthy population. It had not been previously curated by ICSL or reported in the Human Gene Mutation Database (HGMD: prior to June 1st, 2018), and was therefore a candidate for classification through an automated scoring system. Utilizing variant allele frequency, disease prevalence and penetrance estimates, and inheritance mode, an automated score was calculated to assess if this variant is too frequent to cause the disease. Based on the score and internal cut-off values, a variant classified as benign is not then subjected to further curation. The score for this variant resulted in a classification of benign for this disease.

NM_139057.4(ADAMTS17):c.*1565G>C

Gene: ADAMTS17 (ADAM metallopeptidase with thrombospondin type 1 motif 17; minus strand). Cytogenetic location: 15q26.3.
Variant type: single nucleotide variant.
Coding change: c.*1565G>C on transcript NM_139057.4 (MANE Select); 1565 bases downstream of the stop codon, G replaced by C.
Molecular consequence: 3 prime UTR variant.
Genome position (GRCh38, 1-based): chr15:99,972,837, C>G on the plus strand (G>C on the coding strand, the complement: ADAMTS17 is on the minus strand). VCF-style: chr15-99972837-C-G. GRCh37 (hg19) VCF-style: chr15-100513042-C-G.
Identifiers: ClinVar variation 886326 (VCV000886326.4), dbSNP rs60803373, ClinGen allele CA275483751.